The following is an entry in ClinVar:

ClinVar aggregate classification (germline): Benign/Likely benign. Review status: criteria provided, multiple submitters, no conflicts (2 of 4 stars). 5 submissions from 5 submitters: Benign (1); Likely benign (3). 1 of the submissions does not count toward it. Last evaluated 2025-07-20.

Conditions:
Lynch syndrome 5 (LYNCH5). Also called: Hereditary non-polyposis colorectal cancer, type 5; Colorectal cancer, hereditary nonpolyposis, type 5. Identifiers: Orphanet 144, MedGen C1833477, MONDO:0013710, OMIM 614350. Disease mechanism: loss of function.
Hereditary cancer-predisposing syndrome. Also called: Tumor predisposition; Hereditary Cancer Syndrome; Hereditary neoplastic syndrome; Neoplastic Syndromes, Hereditary. Identifiers: Orphanet 140162, MedGen C0027672, MeSH D009386, MONDO:0015356.
Hereditary nonpolyposis colorectal neoplasms. Identifiers: MedGen C0009405, MeSH D003123.
Carcinoma of colon (CRC). Also called: Colonic carcinoma; Colon carcinoma. Identifiers: MedGen C0699790, MONDO:0002032.

Allele frequency attached by ClinVar (database versions not stated): gnomAD exomes below 0.00001.
gnomAD v4.1: 20 of 1,614,218 alleles (0.0012%); highest among the groups gnomAD compares: Non-Finnish European, 0.0015%; no homozygotes.

Submissions (5):

Color Diagnostics, LLC DBA Color Health
Classification: Likely benign for Hereditary cancer-predisposing syndrome. Last evaluated: 2025-07-20. Review status: criteria provided, single submitter. Criteria: ACMG Guidelines, 2015. Collection method: clinical testing. Allele origin: germline.

Labcorp Genetics (formerly Invitae), Labcorp
Classification: Likely benign for Hereditary nonpolyposis colorectal neoplasms. Last evaluated: 2025-05-11. Review status: criteria provided, single submitter. Criteria: Invitae Variant Classification Sherloc (09022015). Collection method: clinical testing. Allele origin: germline.

Myriad Genetics, Inc.
Classification: Benign for Lynch syndrome 5. Last evaluated: 2024-12-30. Review status: criteria provided, single submitter. Criteria: Myriad Autosomal Dominant, Autosomal Recessive and X-Linked Classification Criteria (2023). Collection method: clinical testing. Allele origin: unknown.
Comment: This variant is considered benign. This variant is a silent/synonymous amino acid change and it is not expected to impact splicing.

Ambry Genetics
Classification: Likely benign for Hereditary cancer-predisposing syndrome. Last evaluated: 2018-03-29. Review status: criteria provided, single submitter. Criteria: Ambry Variant Classification Scheme 2023. Collection method: clinical testing. Allele origin: germline.

Department of Pathology and Laboratory Medicine, Sinai Health System
Classification: Likely benign for Carcinoma of colon. Review status: no assertion criteria provided. Collection method: clinical testing. Allele origin: unknown. Affected: yes. Observed: 1 variant allele. Study: The Canadian Open Genetics Repository (COGR). Not counted in ClinVar's aggregate classification.
Comment: The MSH6 p.Ala630= variant was not identified in the literature nor was it identified in the dbSNP, ClinVar, or UMD-LSDB databases. The variant was identified in control databases in 1 of 245698 chromosomes at a frequency of 0.000004 (Genome Aggregation Database Feb 27, 2017). The variant was observed in the European population in 1 of 111310 chromosomes (freq: 0.000009), while the variant was not observed in the African, Other, Latino, Ashkenazi Jewish, East Asian, Finnish, or South Asian populations. The p.Ala630= variant is not expected to have clinical significance because it does not result in a change of amino acid and is not located in a known consensus splice site. In addition, in silico or computational prediction software programs (SpliceSiteFinder, MaxEntScan, NNSPLICE, GeneSplicer) do not predict a difference in splicing. In summary, based on the above information, the clinical significance of this variant cannot be determined with certainty at this time although we would lean towards a more benign role for this variant. This variant is classified as likely benign.

NM_000179.3(MSH6):c.1890A>C (p.Ala630=)

Gene: MSH6 (mutS homolog 6; plus strand). Cytogenetic location: 2p16.3.
Variant type: single nucleotide variant.
Coding change: c.1890A>C on transcript NM_000179.3 (MANE Select); coding-DNA position 1890, A replaced by C.
Protein change: p.Ala630=; no amino-acid change (alanine 630 retained).
Molecular consequence: synonymous variant.
Genome position (GRCh38, 1-based): chr2:47,799,873, A>C. VCF-style: chr2-47799873-A-C. GRCh37 (hg19) VCF-style: chr2-48027012-A-C.
Other names: c.1500A>C, p.Ala500= (NM_001281492.2); c.984A>C, p.Ala328= (NM_001281493.2, NM_001281494.2).
Identifiers: ClinVar variation 820227 (VCV000820227.15), dbSNP rs1468271394, ClinGen allele CA426121286.